The following is an entry in ClinVar:

NM_133433.4(NIPBL):c.6448C>G (p.Leu2150Val)

Gene: NIPBL (NIPBL cohesin loading factor; plus strand). Cytogenetic location: 5p13.2.
Variant type: single nucleotide variant.
Coding change: c.6448C>G on transcript NM_133433.4 (MANE Select); coding-DNA position 6448, C replaced by G.
Protein change: p.Leu2150Val; replaces leucine 2150 with valine.
Molecular consequence: missense variant.
Genome position (GRCh38, 1-based): chr5:37,045,547, C>G. VCF-style: chr5-37045547-C-G. GRCh37 (hg19) VCF-style: chr5-37045649-C-G.
Other names: c.6448C>G, p.Leu2150Val (NM_015384.5); short protein forms L2150V.
Identifiers: ClinVar variation 3773864 (VCV003773864.1).

ClinVar aggregate classification (germline): Pathogenic (1 of 4 stars; one submission).

Conditions:
Cornelia de Lange syndrome 1 (CDLS1). Also called: Brachmann de Lange syndrome; TYPUS DEGENERATIVUS AMSTELODAMENSIS; NIPBL-Related Cornelia de Lange Syndrome. Identifiers: Orphanet 199, MedGen C4551851, MONDO:0007387, OMIM 122470.

Submission:

Rady Children's Institute for Genomic Medicine, Rady Children's Hospital San Diego
Classification: Pathogenic for CORNELIA DE LANGE SYNDROME 1. Last evaluated: 2023-12-23. Review status: criteria provided, single submitter. Criteria: ACMG Guidelines, 2015. Collection method: clinical testing. Allele origin: germline. Affected: yes.
Comment: The c.6448C>G (p.Leu2150Val) variant affects a highly conserved amino acid and is predicted by multiple in silico tools to have a deleterious effect on protein function. This variant has been previously reported as a de novo or heterozygous change in individuals with Cornelia de Lange syndrome (PMID: 31337854, 36041635). A different amino acid change at the same residue (p.Leu2150Pro) has been previously reported in an individual with Cornelia de Lange syndrome (PMID: 20358602). The c.6448C>G (p.Leu2150Val) variant is absent from the gnomAD population database and thus is presumed to be rare. Analysis of the parental samples was negative for the variant, indicating this variant likely occurred as a de novo event. Based on the available evidence, c.6448C>G (p.Leu2150Val) is classified as Pathogenic.